The following is an entry in ClinVar:

NM_001844.5(COL2A1):c.1399C>T (p.Gln467Ter)

Gene: COL2A1 (collagen type II alpha 1 chain; minus strand). Cytogenetic location: 12q13.11.
Variant type: single nucleotide variant.
Coding change: c.1399C>T on transcript NM_001844.5 (MANE Select); coding-DNA position 1399, C replaced by T.
Protein change: p.Gln467Ter; replaces glutamine 467 with a stop codon.
Molecular consequence: nonsense.
Genome position (GRCh38, 1-based): chr12:47,986,855, G>A on the plus strand (C>T on the coding strand, the complement: COL2A1 is on the minus strand). VCF-style: chr12-47986855-G-A. GRCh37 (hg19) VCF-style: chr12-48380638-G-A.
Other names: c.1192C>T, p.Gln398Ter (NM_033150.3); short protein forms Q467*, Q398*.
Identifiers: ClinVar variation 620239 (VCV000620239.2), dbSNP rs1565683713, ClinGen allele CA384553241.

ClinVar aggregate classification (germline): Pathogenic (1 of 4 stars; one submission).

Submission:

GeneDx
Classification: Pathogenic. Last evaluated: 2020-09-22. Review status: criteria provided, single submitter. Criteria: GeneDx Variant Classification Process June 2021. Collection method: clinical testing. Allele origin: germline. Affected: yes.
Comment: Has not been previously published as pathogenic or benign to our knowledge; Not observed in large population cohorts (Lek et al., 2016); Nonsense variant predicted to result in protein truncation or nonsense mediated decay in a gene for which loss-of-function is a known mechanism of disease